The following is an entry in ClinVar:

NM_004309.6(ARHGDIA):c.552C>T (p.Asp184=)

Gene: ARHGDIA (Rho GDP dissociation inhibitor alpha; minus strand). Cytogenetic location: 17q25.3.
Variant type: single nucleotide variant.
Coding change: c.552C>T on transcript NM_004309.6 (MANE Select); coding-DNA position 552, C replaced by T.
Protein change: p.Asp184=; no amino-acid change (aspartic acid 184 retained).
Molecular consequence: synonymous variant. On other transcripts: missense variant (1), non-coding transcript variant (1), intron variant (2).
Genome position (GRCh38, 1-based): chr17:81,868,939, G>A on the plus strand (C>T on the coding strand, the complement: ARHGDIA is on the minus strand). VCF-style: chr17-81868939-G-A. GRCh37 (hg19) VCF-style: chr17-79826815-G-A.
Other names: c.552C>T, p.Asp184= (NM_001185077.3); c.420C>T, p.Asp140= (NM_001185078.3); c.440C>T, p.Thr147Met (NM_001301242.2); c.687C>T, p.Asp229= (NM_001301243.2); c.502+50C>T (NM_001301240.2, NM_001301241.2); short protein forms T147M.
Identifiers: ClinVar variation 2075962 (VCV002075962.10), dbSNP rs115573742, ClinGen allele CA8843205.
Genomic context (GRCh38, chr17:81,868,939, plus strand): 5'-GTCCTTCCAGTCCTTCTTGATGGTGAGATTCCACTCCCAGGACAGGTGGTCGGTCTTGTC[G>A]TCGTCTGTGAAGCGGGACTTGATGCTGTAGCTGCCCCGGGCCAGCATACCCTTGGGTGCC-3'
Protein context (NP_004300.1, residues 174-194): SYSIKSRFTD[Asp184=]DKTDHLSWEW

ClinVar aggregate classification (germline): Benign/Likely benign. Review status: criteria provided, multiple submitters, no conflicts (2 of 4 stars). 2 submissions from 2 submitters: Benign (1); Likely benign (1). Last evaluated 2026-01-04.

Allele frequency attached by ClinVar (database versions not stated): gnomAD exomes 0.00013; ExAC 0.00056; gnomAD 0.00158; TOPMed 0.00181; ESP Exome Variant Server 0.00208; 1000 Genomes Project 0.00339; 1000 Genomes Project 30x 0.00359.
gnomAD v4.1: 443 of 1,613,726 alleles (0.027%); highest among the groups gnomAD compares: African/African-American, 0.52%; 1 homozygote.

Submissions (2):

Labcorp Genetics (formerly Invitae), Labcorp
Classification: Benign. Last evaluated: 2026-01-04. Review status: criteria provided, single submitter. Criteria: Invitae Variant Classification Sherloc (09022015). Collection method: clinical testing. Allele origin: germline.

CeGaT Center for Human Genetics Tuebingen
Classification: Likely benign. Last evaluated: 2025-10-01. Review status: criteria provided, single submitter. Criteria: CeGaT Center For Human Genetics Tuebingen Variant Classification Criteria Version 2. Collection method: clinical testing. Allele origin: germline. Affected: yes. Observed: 1 variant allele.
Comment: ARHGDIA: BP4, BP7